The following is an entry in ClinVar:

ClinVar aggregate classification (germline): Conflicting classifications of pathogenicity. Review status: criteria provided, conflicting classifications (1 of 4 stars). 4 submissions from 4 submitters: Uncertain significance (1); Likely benign (2). 1 of the submissions does not count toward it. Last evaluated 2026-01-25.

Conditions:
LAMC2-related disorder. Also called: LAMC2-related condition.
Junctional epidermolysis bullosa. Identifiers: Orphanet 305, MedGen C0079301, MONDO:0017612.

Allele frequency attached by ClinVar (database versions not stated): ExAC 0.00054; gnomAD exomes 0.00059 and 0.00159; gnomAD 0.00073; TOPMed 0.00074; ESP Exome Variant Server 0.00146.
gnomAD v4.1: 2,418 of 1,614,000 alleles (0.15%); highest among the groups gnomAD compares: Non-Finnish European, 0.19%; 4 homozygotes.

Submissions (4):

Labcorp Genetics (formerly Invitae), Labcorp
Classification: Likely benign. Last evaluated: 2026-01-25. Review status: criteria provided, single submitter. Criteria: Invitae Variant Classification Sherloc (09022015). Collection method: clinical testing. Allele origin: germline.

CeGaT Center for Human Genetics Tuebingen
Classification: Likely benign. Last evaluated: 2025-05-01. Review status: criteria provided, single submitter. Criteria: CeGaT Center For Human Genetics Tuebingen Variant Classification Criteria Version 2. Collection method: clinical testing. Allele origin: germline. Affected: yes. Observed: 1 variant allele.
Comment: LAMC2: BP4, BP7

Illumina Laboratory Services, Illumina
Classification: Uncertain significance for Junctional epidermolysis bullosa. Last evaluated: 2018-01-12. Review status: criteria provided, single submitter. Criteria: ICSL Variant Classification Criteria 13 December 2019. Collection method: clinical testing. Allele origin: germline.

PreventionGenetics, part of Exact Sciences
Classification: Likely benign for LAMC2-related condition. Last evaluated: 2024-03-14. Review status: no assertion criteria provided. Collection method: clinical testing. Allele origin: germline. Not counted in ClinVar's aggregate classification.
Comment: This variant is classified as likely benign based on ACMG/AMP sequence variant interpretation guidelines (Richards et al. 2015 PMID: 25741868, with internal and published modifications).

NM_005562.3(LAMC2):c.2892C>T (p.Asn964=)

Gene: LAMC2 (laminin subunit gamma 2; plus strand). Cytogenetic location: 1q25.3.
Variant type: single nucleotide variant.
Coding change: c.2892C>T on transcript NM_005562.3 (MANE Select); coding-DNA position 2892, C replaced by T.
Protein change: p.Asn964=; no amino-acid change (asparagine 964 retained).
Molecular consequence: synonymous variant.
Genome position (GRCh38, 1-based): chr1:183,239,386, C>T. VCF-style: chr1-183239386-C-T. GRCh37 (hg19) VCF-style: chr1-183208521-C-T.
Other names: c.2892C>T, p.Asn964= (NM_018891.3).
Identifiers: ClinVar variation 294013 (VCV000294013.26), dbSNP rs147657304, ClinGen allele CA1283095.